The following is an entry in ClinVar:

NM_000138.5(FBN1):c.5054del (p.Asn1685fs)

Gene: FBN1 (fibrillin 1; minus strand). Cytogenetic location: 15q21.1.
Variant type: Deletion.
Coding change: c.5054del on transcript NM_000138.5 (MANE Select); coding-DNA position 5054, one base deleted (A; older notation c.5054delA).
Protein change: p.Asn1685fs; shifts the reading frame from asparagine 1685.
Molecular consequence: frameshift variant.
Genome position (GRCh38, 1-based): chr15:48,463,910, T deleted on the plus strand (A on the coding strand, the reverse complement: FBN1 is on the minus strand); the first of 3 consecutive T bases (chr15:48,463,910-48,463,912); deleting any one gives the same sequence. VCF-style (leftmost placement, unchanged base first): chr15-48463909-AT-A. GRCh37 (hg19) VCF-style: chr15-48756106-AT-A.
Other names: c.5054del, p.Asn1685fs (NM_001406716.1); short protein forms N1685fs.
Identifiers: ClinVar variation 2948593 (VCV002948593.3), dbSNP rs2505493145, ClinGen allele CA2740096580.
Genomic context (GRCh38, chr15:48,463,909, plus strand): 5'-CTTTGTAGATGAGAACCAAACATGCATTACTGAGAAAAGCTTGGACTTACCCATGCAATT[AT>A]TTCCCCCATTCACTTGCATGTAGTCTGGAGGACAGATACAGGTGTAGTTGCCAACGGTGT-3'

ClinVar aggregate classification (germline): Pathogenic (1 of 4 stars; one submission).

Conditions:
Marfan syndrome (MFS). Also called: MARFAN SYNDROME, TYPE I; Marfan syndrome type 1; Marfan's syndrome; Marfan syndrome, classic; FBN1-Related Marfan Syndrome. Identifiers: Orphanet 284963, Orphanet 558, MedGen C0024796, MONDO:0007947, OMIM 154700.
Familial thoracic aortic aneurysm and aortic dissection (TAAD). Also called: Thoracic aortic aneurysms and dissections. Identifiers: Orphanet 91387, MedGen C4707243, MONDO:0019625.

Submission:

Labcorp Genetics (formerly Invitae), Labcorp
Classification: Pathogenic for Marfan syndrome; Familial thoracic aortic aneurysm and aortic dissection. Last evaluated: 2023-07-18. Review status: criteria provided, single submitter. Criteria: Invitae Variant Classification Sherloc (09022015). Collection method: clinical testing. Allele origin: germline.
Comment: This variant has not been reported in the literature in individuals affected with FBN1-related conditions. This variant is not present in population databases (gnomAD no frequency). This sequence change creates a premature translational stop signal (p.Asn1685Ilefs*6) in the FBN1 gene. It is expected to result in an absent or disrupted protein product. Loss-of-function variants in FBN1 are known to be pathogenic (PMID: 17657824, 19293843). For these reasons, this variant has been classified as Pathogenic.

Literature cited by the submitters: PubMed 17657824; PubMed 19293843.